The following is an entry in ClinVar:

NM_012092.4(ICOS):c.501+6C>T

Gene: ICOS (inducible T cell costimulator; plus strand). Cytogenetic location: 2q33.2.
Variant type: single nucleotide variant.
Coding change: c.501+6C>T on transcript NM_012092.4 (MANE Select); 6 bases into the intron after coding-DNA position 501, C replaced by T.
Molecular consequence: intron variant.
Genome position (GRCh38, 1-based): chr2:203,956,771, C>T. VCF-style: chr2-203956771-C-T. GRCh37 (hg19) VCF-style: chr2-204821494-C-T.
Other names: p.?.
Identifiers: ClinVar variation 333735 (VCV000333735.27), dbSNP rs4264550, ClinGen allele CA2067293.

ClinVar aggregate classification (germline): Benign/Likely benign. Review status: criteria provided, multiple submitters, no conflicts (2 of 4 stars). 10 submissions from 10 submitters: Benign (9); Likely benign (1). Last evaluated 2026-02-04.

Conditions:
Immunodeficiency, common variable, 1. Also called: ANTIBODY DEFICIENCY DUE TO ICOS DEFECT. Identifiers: Orphanet 1572, Orphanet 695183, MedGen C3149378, MONDO:0011864, OMIM 607594.

Allele frequency attached by ClinVar (database versions not stated): TOPMed 0.13529; ESP Exome Variant Server 0.13655; 1000 Genomes Project 30x 0.15896; 1000 Genomes Project 0.16154.
gnomAD v4.1: 238,754 of 1,553,720 alleles (15%); highest among the groups gnomAD compares: South Asian, 26%; 19,510 homozygotes.

Submissions (11):

Labcorp Genetics (formerly Invitae), Labcorp
Classification: Benign for Immunodeficiency, common variable, 1. Last evaluated: 2026-02-04. Review status: criteria provided, single submitter. Criteria: Invitae Variant Classification Sherloc (09022015). Collection method: clinical testing. Allele origin: germline.

Women's Health and Genetics/Laboratory Corporation of America, LabCorp
Classification: Benign. Last evaluated: 2026-01-21. Review status: criteria provided, single submitter. Criteria: LabCorp Variant Classification Summary - May 2015. Collection method: clinical testing. Allele origin: germline.

Blueprint Genetics
Classification: Likely benign. Last evaluated: 2024-11-26. Review status: criteria provided, single submitter. Criteria: ACMG Guidelines, 2015. Collection method: clinical testing. Allele origin: germline.

Unidad de Genómica Garrahan, Hospital de Pediatría Garrahan
Classification: Benign. Last evaluated: 2024-01-24. Review status: criteria provided, single submitter. Criteria: ACMG Guidelines, 2015. Collection method: clinical testing. Allele origin: germline. Affected: no. Observed: 38 variant alleles.
Comment: This variant is classified as Benign based on local population frequency. This variant was detected in 40% of patients studied by a panel of primary immunodeficiencies. Number of patients: 38. Only high quality variants are reported.

Genome-Nilou Lab
Classification: Benign for Immunodeficiency, common variable, 1. Last evaluated: 2021-08-10. Review status: criteria provided, single submitter. Criteria: ACMG Guidelines, 2015. Collection method: clinical testing. Allele origin: germline. Affected: no.

GeneDx
Classification: Benign. Last evaluated: 2018-11-12. Review status: criteria provided, single submitter. Criteria: GeneDx Variant Classification Process June 2021. Collection method: clinical testing. Allele origin: germline. Affected: yes.

Illumina Laboratory Services, Illumina
Classification: Benign for Immunodeficiency, common variable, 1. Last evaluated: 2018-01-13. Review status: criteria provided, single submitter. Criteria: ICSL Variant Classification Criteria 13 December 2019. Collection method: clinical testing. Allele origin: germline.
Comment: This variant was observed in the ICSL laboratory as part of a predisposition screen in an ostensibly healthy population. It had not been previously curated by ICSL or reported in the Human Gene Mutation Database (HGMD: prior to June 1st, 2018), and was therefore a candidate for classification through an automated scoring system. Utilizing variant allele frequency, disease prevalence and penetrance estimates, and inheritance mode, an automated score was calculated to assess if this variant is too frequent to cause the disease. Based on the score and internal cut-off values, a variant classified as benign is not then subjected to further curation. The score for this variant resulted in a classification of benign for this disease.

Mayo Clinic Laboratories, Mayo Clinic
Classification: Benign. Last evaluated: 2016-10-13. Review status: criteria provided, single submitter. Criteria: ACMG Guidelines, 2015. Collection method: clinical testing. Allele origin: germline. Observed: 214 variant alleles.

Laboratory for Molecular Medicine, Mass General Brigham Personalized Medicine
Classification: Benign. Last evaluated: 2016-03-29. Review status: criteria provided, single submitter. Criteria: LMM Criteria. Collection method: clinical testing. Allele origin: germline.
Comment: Variant identified in a genome or exome case(s) and assessed due to predicted null impact of the variant or pathogenic assertions in the literature or databases. Disclaimer: This variant has not undergone full assessment. The following are preliminary notes: Frequency

Breakthrough Genomics
Classification: Benign. Review status: criteria provided, single submitter. Criteria: ACMG Guidelines, 2015. Collection method: not provided. Allele origin: germline. Inheritance: Autosomal recessive inheritance. Affected: yes.

Dr. Peter K. Rogan Lab, Western University
No classification provided (evidence only). Condition: Malignant lymphoma, large B-cell, diffuse. Review status: no classification provided. Collection method: in vitro. Allele origin: not applicable. Functional consequence: retained intron. Not counted in ClinVar's aggregate classification.